The following is an entry in ClinVar:

ClinVar aggregate classification (germline): Uncertain significance (1 of 4 stars; one submission).

Conditions:
FBXO28-related disorder. Also called: FBXO28-related condition.

gnomAD v4.1: 1 of 1,547,908 alleles (0.000065%); highest among the groups gnomAD compares: Non-Finnish European, 0.000087%; no homozygotes.

Submission:

PreventionGenetics, part of Exact Sciences
Classification: Uncertain significance for FBXO28-related condition. Last evaluated: 2022-11-15. Review status: criteria provided, single submitter. Criteria: ACMG Guidelines, 2015. Collection method: clinical testing. Allele origin: germline.
Comment: The FBXO28 c.62G>A variant is predicted to result in the amino acid substitution p.Gly21Asp. To our knowledge, this variant has not been reported in the literature or in a large population database, indicating this variant is rare. At this time, the clinical significance of this variant is uncertain due to the absence of conclusive functional and genetic evidence.

NM_015176.4(FBXO28):c.62G>A (p.Gly21Asp)

Gene: FBXO28 (F-box protein 28; plus strand). Cytogenetic location: 1q42.11.
Variant type: single nucleotide variant.
Coding change: c.62G>A on transcript NM_015176.4 (MANE Select); coding-DNA position 62, G replaced by A.
Protein change: p.Gly21Asp; replaces glycine 21 with aspartic acid.
Molecular consequence: missense variant. On other transcripts: non-coding transcript variant (1).
Genome position (GRCh38, 1-based): chr1:224,114,191, G>A. VCF-style: chr1-224114191-G-A. GRCh37 (hg19) VCF-style: chr1-224301893-G-A.
Other names: c.62G>A, p.Gly21Asp (NM_001136115.3); short protein forms G21D.
Identifiers: ClinVar variation 2635112 (VCV002635112.1), dbSNP rs1427569686, ClinGen allele CA344750499.